The following is an entry in ClinVar:

NM_002637.4(PHKA1):c.2853T>C (p.Pro951=)

Gene: PHKA1 (phosphorylase kinase regulatory subunit alpha 1; minus strand). Cytogenetic location: Xq13.1.
Variant type: single nucleotide variant.
Coding change: c.2853T>C on transcript NM_002637.4 (MANE Select); coding-DNA position 2853, T replaced by C.
Protein change: p.Pro951=; no amino-acid change (proline 951 retained).
Molecular consequence: synonymous variant.
Genome position (GRCh38, 1-based): chrX:72,603,183, A>G on the plus strand (T>C on the coding strand, the complement: PHKA1 is on the minus strand). VCF-style: chrX-72603183-A-G. GRCh37 (hg19) VCF-style: chrX-71823033-A-G.
Other names: c.2853T>C, p.Pro951= (NM_001122670.2); c.2676T>C, p.Pro892= (NM_001172436.2).
Identifiers: ClinVar variation 2660915 (VCV002660915.24), dbSNP rs2522410795, ClinGen allele CA516751758.

ClinVar aggregate classification (germline): Likely benign (1 of 4 stars; one submission).

Allele frequency attached by ClinVar (database versions not stated): gnomAD exomes below 0.00001.
gnomAD v4.1: 1 of 1,207,553 alleles (0.000083%); highest among the groups gnomAD compares: Non-Finnish European, 0.00011%; no homozygotes.

Submission:

CeGaT Center for Human Genetics Tuebingen
Classification: Likely benign. Last evaluated: 2023-07-01. Review status: criteria provided, single submitter. Criteria: CeGaT Center For Human Genetics Tuebingen Variant Classification Criteria Version 2. Collection method: clinical testing. Allele origin: germline. Affected: yes. Observed: 1 variant allele.
Comment: PHKA1: PM2:Supporting, BP4, BP7